The following is an entry in ClinVar:

ClinVar aggregate classification (germline): Pathogenic (1 of 4 stars; one submission).

Conditions:
Alkaptonuria (AKU). Also called: HOMOGENTISIC ACID OXIDASE DEFICIENCY; Homogentisic acidura; Alkaptonuric ochronosis; Alcaptonuria. Identifiers: Orphanet 56, MedGen C0002066, MONDO:0008753, OMIM 203500.

Allele frequency attached by ClinVar (database versions not stated): gnomAD exomes below 0.00001.

Submission:

Labcorp Genetics (formerly Invitae), Labcorp
Classification: Pathogenic for Alkaptonuria. Last evaluated: 2022-06-08. Review status: criteria provided, single submitter. Criteria: Invitae Variant Classification Sherloc (09022015). Collection method: clinical testing. Allele origin: germline.
Comment: For these reasons, this variant has been classified as Pathogenic. This variant has not been reported in the literature in individuals affected with HGD-related conditions. This variant is not present in population databases (gnomAD no frequency). This sequence change creates a premature translational stop signal (p.His371Glnfs*4) in the HGD gene. It is expected to result in an absent or disrupted protein product. Loss-of-function variants in HGD are known to be pathogenic (PMID: 12501223, 19862842).

Literature cited by the submitters: PubMed 12501223; PubMed 19862842.

NM_000187.4(HGD):c.1112dup (p.His371fs)

Gene: HGD (homogentisate 1,2-dioxygenase; minus strand). Cytogenetic location: 3q13.33.
Variant type: Duplication.
Coding change: c.1112dup on transcript NM_000187.4 (MANE Select); coding-DNA position 1112, one base duplicated (A; older notation c.1112dupA).
Protein change: p.His371fs; shifts the reading frame from histidine 371.
Molecular consequence: frameshift variant.
Genome position (GRCh38, 1-based): chr3:120,633,223, T duplicated on the plus strand (A on the coding strand, the reverse complement: HGD is on the minus strand). VCF-style (leftmost placement, unchanged base first): chr3-120633222-A-AT. GRCh37 (hg19) VCF-style: chr3-120352069-A-AT.
Other names: short protein forms H371fs.
Identifiers: ClinVar variation 2003221 (VCV002003221.4), dbSNP rs2472652040, ClinGen allele CA2580068663.